The following is an entry in ClinVar:

NM_022356.4(P3H1):c.922C>T (p.Gln308Ter)

Gene: P3H1 (prolyl 3-hydroxylase 1; minus strand). Cytogenetic location: 1p34.2.
Variant type: single nucleotide variant.
Coding change: c.922C>T on transcript NM_022356.4 (MANE Select); coding-DNA position 922, C replaced by T.
Protein change: p.Gln308Ter; replaces glutamine 308 with a stop codon.
Molecular consequence: nonsense.
Genome position (GRCh38, 1-based): chr1:42,758,870, G>A on the plus strand (C>T on the coding strand, the complement: P3H1 is on the minus strand). VCF-style: chr1-42758870-G-A. GRCh37 (hg19) VCF-style: chr1-43224541-G-A.
Other names: c.922C>T, p.Gln308Ter (NM_001146289.2, NM_001243246.2); short protein forms Q308*.
Identifiers: ClinVar variation 2035332 (VCV002035332.4), dbSNP rs2524469917, ClinGen allele CA339959361.

ClinVar aggregate classification (germline): Pathogenic (1 of 4 stars; one submission).

Conditions:
Osteogenesis imperfecta type 8 (OI8). Identifiers: MedGen C1970458, MONDO:0012581, OMIM 610915.

Submission:

Labcorp Genetics (formerly Invitae), Labcorp
Classification: Pathogenic for Osteogenesis imperfecta type 8. Last evaluated: 2022-10-13. Review status: criteria provided, single submitter. Criteria: Invitae Variant Classification Sherloc (09022015). Collection method: clinical testing. Allele origin: germline.
Comment: For these reasons, this variant has been classified as Pathogenic. This variant has not been reported in the literature in individuals affected with P3H1-related conditions. This variant is not present in population databases (gnomAD no frequency). This sequence change creates a premature translational stop signal (p.Gln308*) in the P3H1 gene. It is expected to result in an absent or disrupted protein product. Loss-of-function variants in P3H1 are known to be pathogenic (PMID: 17277775, 18566967, 19088120, 22281939).

Literature cited by the submitters: PubMed 17277775; PubMed 18566967; PubMed 19088120; PubMed 22281939.